The following is an entry in ClinVar:

ClinVar aggregate classification (germline): Uncertain significance. Review status: criteria provided, multiple submitters, no conflicts (2 of 4 stars). 2 submissions from 2 submitters: Uncertain significance (2). Last evaluated 2024-12-02.

Conditions:
Ullrich congenital muscular dystrophy 2 (UCMD2). Identifiers: Orphanet 75840, MedGen C4225314, MONDO:0014654, OMIM 616470.
Bethlem myopathy 2 (BTHLM2). Identifiers: Orphanet 536516, Orphanet 610, MedGen C4225313, MONDO:0034022, OMIM 616471.

Allele frequency attached by ClinVar (database versions not stated): TOPMed below 0.00001.

Submissions (2):

GeneDx
Classification: Uncertain significance. Last evaluated: 2024-12-02. Review status: criteria provided, single submitter. Criteria: GeneDx Variant Classification Process June 2021. Collection method: clinical testing. Allele origin: germline. Affected: yes.
Comment: Not observed at significant frequency in large population cohorts (gnomAD); In silico analysis indicates that this missense variant does not alter protein structure/function; Has not been previously published as pathogenic or benign to our knowledge

Labcorp Genetics (formerly Invitae), Labcorp
Classification: Uncertain significance for Bethlem myopathy 2; Ullrich congenital muscular dystrophy 2. Last evaluated: 2024-11-04. Review status: criteria provided, single submitter. Criteria: Invitae Variant Classification Sherloc (09022015). Collection method: clinical testing. Allele origin: germline.
Comment: This sequence change replaces proline, which is neutral and non-polar, with serine, which is neutral and polar, at codon 2959 of the COL12A1 protein (p.Pro2959Ser). This variant is not present in population databases (gnomAD no frequency). This variant has not been reported in the literature in individuals affected with COL12A1-related conditions. ClinVar contains an entry for this variant (Variation ID: 566542). An algorithm developed to predict the effect of missense changes on protein structure and function (PolyPhen-2) suggests that this variant is likely to be disruptive. In summary, the available evidence is currently insufficient to determine the role of this variant in disease. Therefore, it has been classified as a Variant of Uncertain Significance.

NM_004370.6(COL12A1):c.8875C>T (p.Pro2959Ser)

Gene: COL12A1 (collagen type XII alpha 1 chain; minus strand). Cytogenetic location: 6q13.
Variant type: single nucleotide variant.
Coding change: c.8875C>T on transcript NM_004370.6 (MANE Select); coding-DNA position 8875, C replaced by T.
Protein change: p.Pro2959Ser; replaces proline 2959 with serine.
Molecular consequence: missense variant.
Genome position (GRCh38, 1-based): chr6:75,090,176, G>A on the plus strand (C>T on the coding strand, the complement: COL12A1 is on the minus strand). VCF-style: chr6-75090176-G-A. GRCh37 (hg19) VCF-style: chr6-75799892-G-A.
Other names: c.5383C>T, p.Pro1795Ser (NM_080645.3); short protein forms P2959S, P1795S.
Identifiers: ClinVar variation 566542 (VCV000566542.10), dbSNP rs1562090566, ClinGen allele CA364734716.